The following is an entry in ClinVar:

NM_001291867.2(NHS):c.3505A>C (p.Thr1169Pro)

Gene: NHS (NHS actin remodeling regulator; plus strand). Cytogenetic location: Xp22.13.
Variant type: single nucleotide variant.
Coding change: c.3505A>C on transcript NM_001291867.2 (MANE Select); coding-DNA position 3505, A replaced by C.
Protein change: p.Thr1169Pro; replaces threonine 1169 with proline.
Molecular consequence: missense variant.
Genome position (GRCh38, 1-based): chrX:17,727,611, A>C. VCF-style: chrX-17727611-A-C. GRCh37 (hg19) VCF-style: chrX-17745731-A-C.
Other names: c.2974A>C, p.Thr992Pro (NM_001136024.4); c.2911A>C, p.Thr971Pro (NM_001291868.2); c.3442A>C, p.Thr1148Pro (NM_198270.4); short protein forms T1148P, T992P, T1169P, T971P.
Identifiers: ClinVar variation 2906229 (VCV002906229.3), dbSNP rs754531965, ClinGen allele CA326967830.
Genomic context (GRCh38, chrX:17,727,611, plus strand): 5'-TCTGAAGAAGTTAAGCAAAAAGAAGAAAACAATACAGATCTCCCTTATTTAGAGGAAAGC[A>C]CACTCACAACGGCTGCCTTGTCTCCAAGTAAGATTAGGCCGCATACAGCAAATAAATCAG-3'
Protein context (NP_001278796.1, residues 1159-1179): NTDLPYLEES[Thr1169Pro]LTTAALSPSK

ClinVar aggregate classification (germline): Uncertain significance (1 of 4 stars; one submission).

Conditions:
Nance-Horan syndrome (NHS). Identifiers: Orphanet 627, MedGen C0796085, MONDO:0010545, OMIM 302350.

Submission:

Labcorp Genetics (formerly Invitae), Labcorp
Classification: Uncertain significance for Nance-Horan syndrome. Last evaluated: 2023-07-17. Review status: criteria provided, single submitter. Criteria: Invitae Variant Classification Sherloc (09022015). Collection method: clinical testing. Allele origin: germline.
Comment: In summary, the available evidence is currently insufficient to determine the role of this variant in disease. Therefore, it has been classified as a Variant of Uncertain Significance. Advanced modeling of protein sequence and biophysical properties (such as structural, functional, and spatial information, amino acid conservation, physicochemical variation, residue mobility, and thermodynamic stability) performed at Invitae indicates that this missense variant is not expected to disrupt NHS protein function. This variant has not been reported in the literature in individuals affected with NHS-related conditions. This variant is not present in population databases (gnomAD no frequency). This sequence change replaces threonine, which is neutral and polar, with proline, which is neutral and non-polar, at codon 1148 of the NHS protein (p.Thr1148Pro).